The following is an entry in ClinVar:

ClinVar aggregate classification (germline): Uncertain significance. Review status: criteria provided, multiple submitters, no conflicts (2 of 4 stars). 2 submissions from 2 submitters: Uncertain significance (2). Last evaluated 2021-09-01.

Conditions:
Hereditary cancer-predisposing syndrome. Also called: Hereditary neoplastic syndrome; Tumor predisposition; Neoplastic Syndromes, Hereditary; Hereditary Cancer Syndrome. Identifiers: Orphanet 140162, MedGen C0027672, MeSH D009386, MONDO:0015356.
Bloom syndrome (BLM). Also called: Bloom-Torre-Machacek syndrome. Identifiers: Orphanet 125, MedGen C0005859, MONDO:0008876, OMIM 210900.

Submissions (2):

Labcorp Genetics (formerly Invitae), Labcorp
Classification: Uncertain significance for Bloom syndrome. Last evaluated: 2021-09-01. Review status: criteria provided, single submitter. Criteria: Invitae Variant Classification Sherloc (09022015). Collection method: clinical testing. Allele origin: germline.
Comment: This sequence change replaces histidine with arginine at codon 805 of the BLM protein (p.His805Arg). The histidine residue is highly conserved and there is a small physicochemical difference between histidine and arginine. This variant is not present in population databases (ExAC no frequency). This variant has not been reported in the literature in individuals affected with BLM-related conditions. Algorithms developed to predict the effect of missense changes on protein structure and function are either unavailable or do not agree on the potential impact of this missense change (SIFT: "Deleterious"; PolyPhen-2: "Probably Damaging"; Align-GVGD: "Class C0"). Algorithms developed to predict the effect of sequence changes on RNA splicing suggest that this variant may create or strengthen a splice site. In summary, the available evidence is currently insufficient to determine the role of this variant in disease. Therefore, it has been classified as a Variant of Uncertain Significance.

Ambry Genetics
Classification: Uncertain significance for Hereditary cancer-predisposing syndrome. Last evaluated: 2021-06-21. Review status: criteria provided, single submitter. Criteria: Ambry Variant Classification Scheme 2023. Collection method: clinical testing. Allele origin: germline.
Comment: The p.H805R variant (also known as c.2414A>G), located in coding exon 11 of the BLM gene, results from an A to G substitution at nucleotide position 2414. The histidine at codon 805 is replaced by arginine, an amino acid with highly similar properties. This amino acid position is conserved. In addition, this alteration is predicted to be deleterious by in silico analysis. Since supporting evidence is limited at this time, the clinical significance of this alteration remains unclear.

NM_000057.4(BLM):c.2414A>G (p.His805Arg)

Gene: BLM (BLM RecQ like helicase; plus strand). Cytogenetic location: 15q26.1.
Variant type: single nucleotide variant.
Coding change: c.2414A>G on transcript NM_000057.4 (MANE Select); coding-DNA position 2414, A replaced by G.
Protein change: p.His805Arg; replaces histidine 805 with arginine.
Molecular consequence: missense variant.
Genome position (GRCh38, 1-based): chr15:90,769,445, A>G. VCF-style: chr15-90769445-A-G. GRCh37 (hg19) VCF-style: chr15-91312675-A-G.
Other names: c.2414A>G, p.His805Arg (NM_001287246.2, NM_001287247.2); c.1289A>G, p.His430Arg (NM_001287248.2); short protein forms H805R, H430R.
Identifiers: ClinVar variation 1349291 (VCV001349291.7), dbSNP rs766292814, ClinGen allele CA393845264.